The following is an entry in ClinVar:

ClinVar aggregate classification (germline): Uncertain significance (1 of 4 stars; one submission).

Submission:

Ambry Genetics
Classification: Uncertain significance. Last evaluated: 2025-02-11. Review status: criteria provided, single submitter. Criteria: Ambry Variant Classification Scheme 2023. Collection method: clinical testing. Allele origin: germline.
Comment: The p.W7G variant (also known as c.19T>G), located in coding exon 1 of the GEN1 gene, results from a T to G substitution at nucleotide position 19. The tryptophan at codon 7 is replaced by glycine, an amino acid with highly dissimilar properties. This amino acid position is conserved. In addition, this alteration is predicted to be deleterious by in silico analysis. Based on the available evidence, the clinical significance of this variant remains unclear.

NM_001130009.3(GEN1):c.19T>G (p.Trp7Gly)

Gene: GEN1 (GEN1 Holliday junction 5' flap endonuclease; plus strand). Cytogenetic location: 2p24.2.
Variant type: single nucleotide variant.
Coding change: c.19T>G on transcript NM_001130009.3 (MANE Select); coding-DNA position 19, T replaced by G.
Protein change: p.Trp7Gly; replaces tryptophan 7 with glycine.
Molecular consequence: missense variant.
Genome position (GRCh38, 1-based): chr2:17,759,962, T>G. VCF-style: chr2-17759962-T-G. GRCh37 (hg19) VCF-style: chr2-17941229-T-G.
Other names: c.19T>G, p.Trp7Gly (NM_182625.5); short protein forms W7G.
Identifiers: ClinVar variation 3853566 (VCV003853566.1).